The following is an entry in ClinVar:

NM_001011.4(RPS7):c.357-3del

Gene: RPS7 (ribosomal protein S7; plus strand). Cytogenetic location: 2p25.3.
Variant type: Deletion.
Coding change: c.357-3del on transcript NM_001011.4 (MANE Select); 3 bases into the intron before coding-DNA position 357, one base deleted (T; older notation c.357-3delT).
Molecular consequence: intron variant.
Genome position (GRCh38, 1-based): chr2:3,580,107, T deleted; the last of 4 consecutive T bases (chr2:3,580,104-3,580,107); deleting any one gives the same sequence. VCF-style (leftmost placement, unchanged base first): chr2-3580103-CT-C. GRCh37 (hg19) VCF-style: chr2-3627693-CT-C.
Other names: c.357-3delT (NM_001011.3).
Identifiers: ClinVar variation 1064152 (VCV001064152.12), dbSNP rs140914434, ClinGen allele CA1516684.
Genomic context (GRCh38, chr2:3,580,103, plus strand): 5'-GTGCCCTCTGGAGTTGCCCAGAGGGCAGGCGTTGCTAGGTTGCTTACCTTTTAAACTATT[CT>C]TTTAGCCGTACTCTGACAGCTGTGCACGATGCCATCCTTGAGGACTTGGTCTTCCCAAGC-3'

ClinVar aggregate classification (germline): Uncertain significance. Review status: criteria provided, multiple submitters, no conflicts (2 of 4 stars). 3 submissions from 3 submitters: Uncertain significance (3). Last evaluated 2025-07-28.

Conditions:
RPS7-related disorder. Also called: RPS7-related condition.
Diamond-Blackfan anemia 8 (DBA8). Also called: RPS7-Related Diamond-Blackfan Anemia. Identifiers: Orphanet 124, MedGen C2675511, MONDO:0012939, OMIM 612563.

Submissions (3):

Labcorp Genetics (formerly Invitae), Labcorp
Classification: Uncertain significance for Diamond-Blackfan anemia 8. Last evaluated: 2025-07-28. Review status: criteria provided, single submitter. Criteria: Invitae Variant Classification Sherloc (09022015). Collection method: clinical testing. Allele origin: germline.
Comment: This sequence change falls in intron 5 of the RPS7 gene. It does not directly change the encoded amino acid sequence of the RPS7 protein. It affects a nucleotide within the consensus splice site. This variant is present in population databases (rs751460149, gnomAD 0.004%). This variant has not been reported in the literature in individuals affected with RPS7-related conditions. ClinVar contains an entry for this variant (Variation ID: 1064152). Variants that disrupt the consensus splice site are a relatively common cause of aberrant splicing (PMID: 17576681, 9536098). Algorithms developed to predict the effect of sequence changes on RNA splicing suggest that this variant is not likely to affect RNA splicing. In summary, the available evidence is currently insufficient to determine the role of this variant in disease. Therefore, it has been classified as a Variant of Uncertain Significance.

PreventionGenetics, part of Exact Sciences
Classification: Uncertain significance for RPS7-related condition. Last evaluated: 2025-02-05. Review status: criteria provided, single submitter. Criteria: ACMG Guidelines, 2015. Collection method: clinical testing. Allele origin: germline.
Comment: The RPS7 c.357-3delT variant is predicted to result in an intronic deletion. This variant is predicted to alter splicing based on available splicing prediction programs (SpliceAI, Jaganathan et al. 2019. PubMed ID: 30661751). However, such computer prediction programs are imperfect. To our knowledge, this variant has not been reported in the literature. This variant is reported in 0.0044% of alleles in individuals of European (Non-Finnish) descent in gnomAD. At this time, the clinical significance of this variant is uncertain due to the absence of conclusive functional and genetic evidence.

Fulgent Genetics
Classification: Uncertain significance for Diamond-Blackfan anemia 8. Last evaluated: 2024-03-04. Review status: criteria provided, single submitter. Criteria: ACMG Guidelines, 2015. Collection method: clinical testing. Allele origin: germline.

Literature cited by the submitters: PubMed 17576681 (cited by Labcorp Genetics (formerly Invitae), Labcorp); PubMed 9536098 (cited by Labcorp Genetics (formerly Invitae), Labcorp).